The following is an entry in ClinVar:

ClinVar aggregate classification (germline): Uncertain significance (1 of 4 stars; one submission).

Conditions:
Primary dilated cardiomyopathy (DCM). Also called: Dilated Cardiomyopathy. Identifiers: Orphanet 217604, MedGen C0007193, MeSH D002311, MONDO:0005021, HP:0001644. Inheritance: Various modes of inheritance.

Allele frequency attached by ClinVar (database versions not stated): TOPMed 0.00001; gnomAD 0.00002; gnomAD exomes 0.00002; ExAC 0.00012.
gnomAD v4.1: 39 of 1,614,098 alleles (0.0024%); highest among the groups gnomAD compares: Non-Finnish European, 0.003%; no homozygotes.

Submission:

Labcorp Genetics (formerly Invitae), Labcorp
Classification: Uncertain significance for Primary dilated cardiomyopathy. Last evaluated: 2024-04-01. Review status: criteria provided, single submitter. Criteria: Invitae Variant Classification Sherloc (09022015). Collection method: clinical testing. Allele origin: germline.
Comment: This sequence change replaces glutamine, which is neutral and polar, with glutamic acid, which is acidic and polar, at codon 70 of the FHL2 protein (p.Gln70Glu). This variant is present in population databases (rs768818976, gnomAD 0.01%). This variant has not been reported in the literature in individuals affected with FHL2-related conditions. ClinVar contains an entry for this variant (Variation ID: 2195243). Advanced modeling of protein sequence and biophysical properties (such as structural, functional, and spatial information, amino acid conservation, physicochemical variation, residue mobility, and thermodynamic stability) performed at Invitae indicates that this missense variant is not expected to disrupt FHL2 protein function with a negative predictive value of 80%. In summary, the available evidence is currently insufficient to determine the role of this variant in disease. Therefore, it has been classified as a Variant of Uncertain Significance.

NM_001318895.3(FHL2):c.208C>G (p.Gln70Glu)

Genes: C2orf49 (chromosome 2 open reading frame 49; plus strand), FHL2 (four and a half LIM domains 2; minus strand). Cytogenetic location: 2q12.2.
Variant type: single nucleotide variant.
Coding change: c.208C>G on transcript NM_001318895.3 (MANE Select); coding-DNA position 208, C replaced by G.
Protein change: p.Gln70Glu; replaces glutamine 70 with glutamic acid.
Molecular consequence: missense variant. On other transcripts: 5 prime UTR variant (1), intron variant (2).
Genome position (GRCh38, 1-based): chr2:105,373,682, G>C on the plus strand (C>G on the coding strand, the complement: FHL2 is on the minus strand). VCF-style: chr2-105373682-G-C. GRCh37 (hg19) VCF-style: chr2-105990139-G-C.
Other names: c.208C>G, p.Gln70Glu (NM_001039492.3, NM_001318894.1, NM_001318896.2 and 4 more transcripts); c.-117C>G (NM_001318899.2); c.-11-5943C>G (NM_001318897.2, NM_001318898.2); short protein forms Q70E.
Identifiers: ClinVar variation 2195243 (VCV002195243.4), dbSNP rs768818976, ClinGen allele CA1814798.